The following is an entry in ClinVar:

NM_001286445.3(RIPOR2):c.105G>A (p.Gln35=)

Gene: RIPOR2 (RHO family interacting cell polarization regulator 2; minus strand). Cytogenetic location: 6p22.3.
Variant type: single nucleotide variant.
Coding change: c.105G>A on transcript NM_001286445.3 (MANE Select); coding-DNA position 105, G replaced by A.
Protein change: p.Gln35=; no amino-acid change (glutamine 35 retained).
Molecular consequence: synonymous variant.
Genome position (GRCh38, 1-based): chr6:24,875,774, C>T on the plus strand (G>A on the coding strand, the complement: RIPOR2 is on the minus strand). VCF-style: chr6-24875774-C-T. GRCh37 (hg19) VCF-style: chr6-24876002-C-T.
Other names: c.120G>A, p.Gln40= (NM_001286446.3); c.18G>A, p.Gln6= (NM_001286447.2, NM_001346031.2, NM_001346032.2 and 2 more transcripts); c.18G>A (NM_014722.4).
Identifiers: ClinVar variation 929887 (VCV000929887.6), dbSNP rs376465905, ClinGen allele CA3659646.

ClinVar aggregate classification (germline): Likely benign. Review status: criteria provided, single submitter (1 of 4 stars). 2 submissions from 2 submitters: Likely benign (1). 1 of the submissions does not count toward it. Last evaluated 2017-08-23.

Conditions:
RIPOR2-related disorder. Also called: RIPOR2-related condition.

Allele frequency attached by ClinVar (database versions not stated): gnomAD exomes 0.00003 and 0.00008; gnomAD 0.00004 and 0.00005; TOPMed 0.00004; ESP Exome Variant Server 0.00008; ExAC 0.00010.
gnomAD v4.1: 57 of 1,613,482 alleles (0.0035%); highest among the groups gnomAD compares: South Asian, 0.045%; 1 homozygote.

Submissions (2):

Laboratory for Molecular Medicine, Mass General Brigham Personalized Medicine
Classification: Likely benign. Last evaluated: 2017-08-23. Review status: criteria provided, single submitter. Criteria: LMM Criteria. Collection method: clinical testing. Allele origin: germline. Observed: 1 variant allele.
Comment: p.Gln6Gln in exon 2 of FAM65B: This variant is not expected to have clinical significance because it does not alter an amino acid residue and is not located within the splice consensus sequence. It has been identified in 0.07% (10/13990) of South Asian chromosomes by the Exome Aggregation Consortium (ExAC; dbSNP rs376465905).

PreventionGenetics, part of Exact Sciences
Classification: Likely benign for RIPOR2-related condition. Last evaluated: 2021-02-03. Review status: no assertion criteria provided. Collection method: clinical testing. Allele origin: germline. Not counted in ClinVar's aggregate classification.
Comment: This variant is classified as likely benign based on ACMG/AMP sequence variant interpretation guidelines (Richards et al. 2015 PMID: 25741868, with internal and published modifications).